The following is an entry in ClinVar:

NM_001572.5(IRF7):c.828C>G (p.Ser276Arg)

Gene: IRF7 (interferon regulatory factor 7; minus strand). Cytogenetic location: 11p15.5.
Variant type: single nucleotide variant.
Coding change: c.828C>G on transcript NM_001572.5 (MANE Select); coding-DNA position 828, C replaced by G.
Protein change: p.Ser276Arg; replaces serine 276 with arginine.
Molecular consequence: missense variant.
Genome position (GRCh38, 1-based): chr11:613,804, G>C on the plus strand (C>G on the coding strand, the complement: IRF7 is on the minus strand). VCF-style: chr11-613804-G-C. GRCh37 (hg19) VCF-style: chr11-613804-G-C.
Other names: c.867C>G (NM_004031.2); c.741C>G, p.Ser247Arg (NM_004029.4); c.867C>G, p.Ser289Arg (NM_004031.4); short protein forms S247R, S276R, S289R.
Identifiers: ClinVar variation 2900259 (VCV002900259.4), dbSNP rs774247150, ClinGen allele CA216911176.

ClinVar aggregate classification (germline): Uncertain significance. Review status: criteria provided, multiple submitters, no conflicts (2 of 4 stars). 2 submissions from 2 submitters: Uncertain significance (2). Last evaluated 2025-06-22.

Conditions:
Immunodeficiency 39 (IMD39). Identifiers: Orphanet 574918, MedGen C4225358, MONDO:0014597, OMIM 616345.

gnomAD v4.1: 5 of 1,573,116 alleles (0.00032%); highest among the groups gnomAD compares: African/African-American, 0.0014%; no homozygotes.

Submissions (2):

Ambry Genetics
Classification: Uncertain significance. Last evaluated: 2025-06-22. Review status: criteria provided, single submitter. Criteria: Ambry Variant Classification Scheme 2023. Collection method: clinical testing. Allele origin: germline.

Labcorp Genetics (formerly Invitae), Labcorp
Classification: Uncertain significance for Immunodeficiency 39. Last evaluated: 2023-12-31. Review status: criteria provided, single submitter. Criteria: Invitae Variant Classification Sherloc (09022015). Collection method: clinical testing. Allele origin: germline.
Comment: This sequence change replaces serine, which is neutral and polar, with arginine, which is basic and polar, at codon 289 of the IRF7 protein (p.Ser289Arg). This variant is not present in population databases (gnomAD no frequency). This variant has not been reported in the literature in individuals affected with IRF7-related conditions. Advanced modeling of protein sequence and biophysical properties (such as structural, functional, and spatial information, amino acid conservation, physicochemical variation, residue mobility, and thermodynamic stability) performed at Invitae indicates that this missense variant is not expected to disrupt IRF7 protein function with a negative predictive value of 80%. In summary, the available evidence is currently insufficient to determine the role of this variant in disease. Therefore, it has been classified as a Variant of Uncertain Significance.